The following is an entry in ClinVar:

NM_001040108.2(MLH3):c.4253A>G (p.Asn1418Ser)

Gene: MLH3 (mutL homolog 3; minus strand). Cytogenetic location: 14q24.3.
Variant type: single nucleotide variant.
Coding change: c.4253A>G on transcript NM_001040108.2 (MANE Select); coding-DNA position 4253, A replaced by G.
Protein change: p.Asn1418Ser; replaces asparagine 1418 with serine.
Molecular consequence: missense variant.
Genome position (GRCh38, 1-based): chr14:75,017,191, T>C on the plus strand (A>G on the coding strand, the complement: MLH3 is on the minus strand). VCF-style: chr14-75017191-T-C. GRCh37 (hg19) VCF-style: chr14-75483894-T-C.
Other names: c.4181A>G, p.Asn1394Ser (NM_014381.3); short protein forms N1394S, N1418S.
Identifiers: ClinVar variation 1407064 (VCV001407064.12), dbSNP rs1258839619, ClinGen allele CA390418228.

ClinVar aggregate classification (germline): Uncertain significance. Review status: criteria provided, multiple submitters, no conflicts (2 of 4 stars). 2 submissions from 2 submitters: Uncertain significance (2). Last evaluated 2024-04-22.

Conditions:
Colorectal cancer, hereditary nonpolyposis, type 7. Identifiers: Orphanet 144, MedGen C1858380, MONDO:0013725, OMIM 614385.

Allele frequency attached by ClinVar (database versions not stated): gnomAD exomes below 0.00001; gnomAD 0.00001.
gnomAD v4.1: 10 of 1,613,688 alleles (0.00062%); highest among the groups gnomAD compares: Non-Finnish European, 0.00085%; no homozygotes.

Submissions (2):

Ambry Genetics
Classification: Uncertain significance. Last evaluated: 2024-04-22. Review status: criteria provided, single submitter. Criteria: Ambry Variant Classification Scheme 2023. Collection method: clinical testing. Allele origin: germline.
Comment: The p.N1418S variant (also known as c.4253A>G), located in coding exon 12 of the MLH3 gene, results from an A to G substitution at nucleotide position 4253. The asparagine at codon 1418 is replaced by serine, an amino acid with highly similar properties. This amino acid position is conserved. In addition, this alteration is predicted to be tolerated by in silico analysis. Since supporting evidence is limited at this time, the clinical significance of this alteration remains unclear.

Labcorp Genetics (formerly Invitae), Labcorp
Classification: Uncertain significance for Colorectal cancer, hereditary nonpolyposis, type 7. Last evaluated: 2023-03-26. Review status: criteria provided, single submitter. Criteria: Invitae Variant Classification Sherloc (09022015). Collection method: clinical testing. Allele origin: germline.
Comment: ClinVar contains an entry for this variant (Variation ID: 1407064). This sequence change replaces asparagine, which is neutral and polar, with serine, which is neutral and polar, at codon 1418 of the MLH3 protein (p.Asn1418Ser). This variant is present in population databases (no rsID available, gnomAD 0.002%). This variant has not been reported in the literature in individuals affected with MLH3-related conditions. An algorithm developed to predict the effect of missense changes on protein structure and function (PolyPhen-2) suggests that this variant is likely to be disruptive. In summary, the available evidence is currently insufficient to determine the role of this variant in disease. Therefore, it has been classified as a Variant of Uncertain Significance.